The following is an entry in ClinVar:

NM_000219.6(KCNE1):c.*2098T>C

Gene: KCNE1 (potassium voltage-gated channel subfamily E regulatory subunit 1; minus strand). Cytogenetic location: 21q22.12.
Variant type: single nucleotide variant.
Coding change: c.*2098T>C on transcript NM_000219.6 (MANE Select); 2098 bases downstream of the stop codon, T replaced by C.
Molecular consequence: 3 prime UTR variant.
Genome position (GRCh38, 1-based): chr21:34,447,147, A>G on the plus strand (T>C on the coding strand, the complement: KCNE1 is on the minus strand). VCF-style: chr21-34447147-A-G. GRCh37 (hg19) VCF-style: chr21-35819445-A-G.
Other names: c.*2098T>C (NM_001127668.4, NM_001127669.4, NM_001127670.4 and 4 more transcripts).
Identifiers: ClinVar variation 339730 (VCV000339730.7), dbSNP rs41312993, ClinGen allele CA10653505.
Genomic context (GRCh38, chr21:34,447,147, plus strand): 5'-AGCCAGTCCGTGTGCCTGGAATATCAAAGTCAGTGCGTGCCAGGGATCACACTGCGGGTC[A>G]CGTGCACTCTGGGTCTCTCTCTGCAAACCTGCCCTGCCTCAGTCTGGGAATATGCAACTG-3'

ClinVar aggregate classification (germline): Benign/Likely benign. Review status: criteria provided, multiple submitters, no conflicts (2 of 4 stars). 3 submissions from 2 submitters: Benign (2); Likely benign (1). Last evaluated 2021-05-13.

Conditions:
Long QT syndrome 5 (LQT5). Identifiers: Orphanet 101016, Orphanet 768, MedGen C1867904, MONDO:0013372, OMIM 613695.
Jervell and Lange-Nielsen syndrome 2 (JLNS2). Identifiers: Orphanet 768, Orphanet 90647, MedGen C2676723, MONDO:0012871, OMIM 612347.

Allele frequency attached by ClinVar (database versions not stated): 1000 Genomes Project 0.01078; gnomAD 0.01820.

Submissions (3):

GeneDx
Classification: Likely benign. Last evaluated: 2021-05-13. Review status: criteria provided, single submitter. Criteria: GeneDx Variant Classification Process June 2021. Collection method: clinical testing. Allele origin: germline. Affected: yes.

Illumina Laboratory Services, Illumina
Classification: Benign for Long QT syndrome 5. Last evaluated: 2018-01-13. Review status: criteria provided, single submitter. Criteria: ICSL Variant Classification Criteria 13 December 2019. Collection method: clinical testing. Allele origin: germline.
Comment: This variant was observed in the ICSL laboratory as part of a predisposition screen in an ostensibly healthy population. It had not been previously curated by ICSL or reported in the Human Gene Mutation Database (HGMD: prior to June 1st, 2018), and was therefore a candidate for classification through an automated scoring system. Utilizing variant allele frequency, disease prevalence and penetrance estimates, and inheritance mode, an automated score was calculated to assess if this variant is too frequent to cause the disease. Based on the score and internal cut-off values, a variant classified as benign is not then subjected to further curation. The score for this variant resulted in a classification of benign for this disease.

Illumina Laboratory Services, Illumina
Classification: Benign for Jervell and Lange-Nielsen syndrome 2. Last evaluated: 2018-01-13. Review status: criteria provided, single submitter. Criteria: ICSL Variant Classification Criteria 13 December 2019. Collection method: clinical testing. Allele origin: germline.
Comment: the same text as in the submission from Illumina Laboratory Services, Illumina above.